The following is an entry in ClinVar:

ClinVar aggregate classification (germline): Uncertain significance. Review status: criteria provided, multiple submitters, no conflicts (2 of 4 stars). 2 submissions from 2 submitters: Uncertain significance (2). Last evaluated 2026-07-02.

Conditions:
Hereditary cancer-predisposing syndrome. Also called: Hereditary Cancer Syndrome; Neoplastic Syndromes, Hereditary; Hereditary neoplastic syndrome; Tumor predisposition. Identifiers: Orphanet 140162, MedGen C0027672, MeSH D009386, MONDO:0015356.
Paragangliomas with sensorineural hearing loss. Identifiers: MedGen C1868633.
Carney-Stratakis syndrome. Also called: PARAGANGLIOMA AND GASTROINTESTINAL STROMAL TUMOR. Identifiers: Orphanet 97286, MedGen C1847319, MONDO:0011740, OMIM 606864.
Cowden syndrome 3 (CWS3). Identifiers: Orphanet 201, MedGen CN166604, MONDO:0014045.
Pheochromocytoma. Also called: MAX-Related Hereditary Paraganglioma-Pheochromocytoma Syndrome. Identifiers: Orphanet 29072, MedGen C0031511, MONDO:0008233, OMIM 171300, HP:0002666.

Submissions (2):

Ambry Genetics
Classification: Uncertain significance for Hereditary cancer-predisposing syndrome. Last evaluated: 2026-07-02. Review status: criteria provided, single submitter. Criteria: Ambry Variant Classification Scheme 2023. Collection method: clinical testing. Allele origin: germline.
Comment: The p.T135I variant (also known as c.404C>T), located in coding exon 4 of the SDHD gene, results from a C to T substitution at nucleotide position 404. The threonine at codon 135 is replaced by isoleucine, an amino acid with similar properties. This amino acid position is conserved. In addition, this alteration is predicted to be deleterious by in silico analysis. Based on the available evidence, the clinical significance of this variant remains unclear.

Labcorp Genetics (formerly Invitae), Labcorp
Classification: Uncertain significance for Carney-Stratakis syndrome; Paragangliomas with sensorineural hearing loss; Pheochromocytoma; Cowden syndrome 3. Last evaluated: 2021-06-16. Review status: criteria provided, single submitter. Criteria: Invitae Variant Classification Sherloc (09022015). Collection method: clinical testing. Allele origin: germline.
Comment: In summary, the available evidence is currently insufficient to determine the role of this variant in disease. Therefore, it has been classified as a Variant of Uncertain Significance. Advanced modeling of protein sequence and biophysical properties (such as structural, functional, and spatial information, amino acid conservation, physicochemical variation, residue mobility, and thermodynamic stability) performed at Invitae indicates that this missense variant is expected to disrupt SDHD protein function. This variant has not been reported in the literature in individuals with SDHD-related conditions. This variant is not present in population databases (ExAC no frequency). This sequence change replaces threonine with isoleucine at codon 135 of the SDHD protein (p.Thr135Ile). The threonine residue is highly conserved and there is a moderate physicochemical difference between threonine and isoleucine.

NM_003002.4(SDHD):c.404C>T (p.Thr135Ile)

Gene: SDHD (succinate dehydrogenase complex subunit D; plus strand). Cytogenetic location: 11q23.1.
Variant type: single nucleotide variant.
Coding change: c.404C>T on transcript NM_003002.4 (MANE Select); coding-DNA position 404, C replaced by T.
Protein change: p.Thr135Ile; replaces threonine 135 with isoleucine.
Molecular consequence: missense variant. On other transcripts: 3 prime UTR variant (2), non-coding transcript variant (1).
Genome position (GRCh38, 1-based): chr11:112,094,894, C>T. VCF-style: chr11-112094894-C-T. GRCh37 (hg19) VCF-style: chr11-111965618-C-T.
Other names: c.*1C>T (NM_001276503.2); c.287C>T, p.Thr96Ile (NM_001276504.2); c.*102C>T (NM_001276506.2); c.404C>T (NM_003002.2); short protein forms T96I, T135I.
Identifiers: ClinVar variation 1359777 (VCV001359777.9), dbSNP rs2135277637, ClinGen allele CA382619243.